The following is an entry in ClinVar:

ClinVar aggregate classification (germline): Uncertain significance (1 of 4 stars; one submission).

Conditions:
Developmental and epileptic encephalopathy, 54. Also called: Epileptic encephalopathy, early infantile, 54; HNRNPU-Related Neurodevelopmental Disorder. Identifiers: MedGen C4479319, MONDO:0033363, OMIM 617391.

Allele frequency attached by ClinVar (database versions not stated): gnomAD exomes below 0.00001; TOPMed 0.00001.
gnomAD v4.1: 1 of 1,614,040 alleles (0.000062%); highest among the groups gnomAD compares: East Asian, 0.0022%; no homozygotes.

Submission:

Labcorp Genetics (formerly Invitae), Labcorp
Classification: Uncertain significance for Developmental and epileptic encephalopathy, 54. Last evaluated: 2024-02-23. Review status: criteria provided, single submitter. Criteria: Invitae Variant Classification Sherloc (09022015). Collection method: clinical testing. Allele origin: germline.
Comment: This sequence change replaces arginine, which is basic and polar, with glutamine, which is neutral and polar, at codon 442 of the HNRNPU protein (p.Arg442Gln). This variant is not present in population databases (gnomAD no frequency). This variant has not been reported in the literature in individuals affected with HNRNPU-related conditions. ClinVar contains an entry for this variant (Variation ID: 1489946). Advanced modeling of protein sequence and biophysical properties (such as structural, functional, and spatial information, amino acid conservation, physicochemical variation, residue mobility, and thermodynamic stability) performed at Invitae indicates that this missense variant is not expected to disrupt HNRNPU protein function with a negative predictive value of 80%. In summary, the available evidence is currently insufficient to determine the role of this variant in disease. Therefore, it has been classified as a Variant of Uncertain Significance.

NM_031844.3(HNRNPU):c.1325G>A (p.Arg442Gln)

Gene: HNRNPU (heterogeneous nuclear ribonucleoprotein U; minus strand). Cytogenetic location: 1q44.
Variant type: single nucleotide variant.
Coding change: c.1325G>A on transcript NM_031844.3 (MANE Select); coding-DNA position 1325, G replaced by A.
Protein change: p.Arg442Gln; replaces arginine 442 with glutamine.
Molecular consequence: missense variant.
Genome position (GRCh38, 1-based): chr1:244,858,180, C>T on the plus strand (G>A on the coding strand, the complement: HNRNPU is on the minus strand). VCF-style: chr1-244858180-C-T. GRCh37 (hg19) VCF-style: chr1-245021482-C-T.
Other names: c.1268G>A, p.Arg423Gln (NM_004501.3); short protein forms R423Q, R442Q.
Identifiers: ClinVar variation 1489946 (VCV001489946.8), dbSNP rs1001439129, ClinGen allele CA40500491.